The following is an entry in ClinVar:

ClinVar aggregate classification (germline): Uncertain significance (1 of 4 stars; one submission).

Conditions:
Common variable immunodeficiency (CVID). Also called: Common variable hypogamma-globulinemia; Common variable agammaglobulinemia. Identifiers: Orphanet 1572, MedGen C0009447, MONDO:0015517.

Allele frequency attached by ClinVar (database versions not stated): TOPMed 0.00020; ESP Exome Variant Server 0.00031; gnomAD exomes 0.00041 and 0.00019; gnomAD 0.00018 and 0.00019; ExAC 0.00020.
gnomAD v4.1: 602 of 1,613,984 alleles (0.037%); highest among the groups gnomAD compares: Non-Finnish European, 0.049%; no homozygotes.

Submission:

Labcorp Genetics (formerly Invitae), Labcorp
Classification: Uncertain significance for Common variable immunodeficiency. Last evaluated: 2025-12-30. Review status: criteria provided, single submitter. Criteria: Invitae Variant Classification Sherloc (09022015). Collection method: clinical testing. Allele origin: germline.
Comment: This sequence change replaces glycine, which is neutral and non-polar, with glutamic acid, which is acidic and polar, at codon 118 of the TNFSF12 protein (p.Gly118Glu). This variant is present in population databases (rs144468031, gnomAD 0.03%). This variant has not been reported in the literature in individuals affected with TNFSF12-related conditions. ClinVar contains an entry for this variant (Variation ID: 967378). An algorithm developed to predict the effect of missense changes on protein structure and function (PolyPhen-2) suggests that this variant is likely to be disruptive. In summary, the available evidence is currently insufficient to determine the role of this variant in disease. Therefore, it has been classified as a Variant of Uncertain Significance.

NM_003809.3(TNFSF12):c.353G>A (p.Gly118Glu)

Genes: TNFSF12 (TNF superfamily member 12; plus strand), TNFSF12-TNFSF13 (TNFSF12-TNFSF13 readthrough; plus strand). Cytogenetic location: 17p13.1.
Variant type: single nucleotide variant.
Coding change: c.353G>A on transcript NM_003809.3 (MANE Select); coding-DNA position 353, G replaced by A.
Protein change: p.Gly118Glu; replaces glycine 118 with glutamic acid.
Molecular consequence: missense variant. On other transcripts: non-coding transcript variant (1).
Genome position (GRCh38, 1-based): chr17:7,550,958, G>A. VCF-style: chr17-7550958-G-A. GRCh37 (hg19) VCF-style: chr17-7454275-G-A.
Other names: c.353G>A, p.Gly118Glu (NM_172089.4); short protein forms G118E.
Identifiers: ClinVar variation 967378 (VCV000967378.8), dbSNP rs144468031, ClinGen allele CA8350784.
Genomic context (GRCh38, chr17:7,550,958, plus strand): 5'-AGAGGGTCAGGGCAGGTCTCACCAGCCTTTTCCTGTACTTTACAGTTCATCCACGACCTG[G>A]ACAGGACGGAGCGCAGGCAGGTGAGACCCCATCCCCCGACACAGCACTGGCCTCCTGGGA-3'
Protein context (NP_003800.1, residues 108-128): AAHYEVHPRP[Gly118Glu]QDGAQAGVDG